The following is an entry in ClinVar:

NM_003919.3(SGCE):c.680G>C (p.Gly227Ala)

Genes: CASD1 (CAS1 domain sialic acid O acetyltransferase 1; plus strand), SGCE (sarcoglycan epsilon; minus strand). Cytogenetic location: 7q21.3.
Variant type: single nucleotide variant.
Coding change: c.680G>C on transcript NM_003919.3 (MANE Select); coding-DNA position 680, G replaced by C.
Protein change: p.Gly227Ala; replaces glycine 227 with alanine.
Molecular consequence: missense variant.
Genome position (GRCh38, 1-based): chr7:94,603,435, C>G on the plus strand (G>C on the coding strand, the complement: SGCE is on the minus strand). VCF-style: chr7-94603435-C-G. GRCh37 (hg19) VCF-style: chr7-94232747-C-G.
Other names: c.788G>C, p.Gly263Ala (NM_001346715.2, NM_001346713.2); c.680G>C, p.Gly227Ala (NM_001346717.2, NM_001099401.2, NM_001099400.2); c.593G>C, p.Gly198Ala (NM_001346719.2, NM_001362807.2); c.407G>C, p.Gly136Ala (NM_001346720.2, NM_001362808.2); c.557G>C, p.Gly186Ala (NM_001362809.2, NM_001301139.2); short protein forms G198A, G263A, G136A, G227A, G186A.
Identifiers: ClinVar variation 4741169 (VCV004741169.1).
Genomic context (GRCh38, chr7:94,603,435, plus strand): 5'-CTCAATTGATTCTGTGGATTTTCAACTTCTCGTAAACAAGAAGAAAACGGGACATCTGCA[C>G]CAACCATGACATAAACGCTGTAAAAATGTGAAACTCTCAGGTTATCCTTTAAGAAAATTG-3'
Protein context (NP_003910.1, residues 217-237): DLKEGVYVMV[Gly227Ala]ADVPFSSCLR

ClinVar aggregate classification (germline): Uncertain significance (1 of 4 stars; one submission).

Conditions:
Myoclonic dystonia 11 (DYT11). Also called: Myoclonic dystonia; Dystonia 11; Dystonia, alcohol responsive; Hereditary essential myoclonus; SGCE Myoclonus-Dystonia; Myoclonus-Dystonia. Identifiers: Orphanet 36899, MedGen C1834570, MONDO:0008044, OMIM 159900.

Submission:

Labcorp Genetics (formerly Invitae), Labcorp
Classification: Uncertain significance for Myoclonic dystonia 11. Last evaluated: 2025-06-01. Review status: criteria provided, single submitter. Criteria: Invitae Variant Classification Sherloc (09022015). Collection method: clinical testing. Allele origin: germline.
Comment: This sequence change replaces glycine, which is neutral and non-polar, with alanine, which is neutral and non-polar, at codon 227 of the SGCE protein (p.Gly227Ala). This variant is not present in population databases (gnomAD no frequency). This variant has not been reported in the literature in individuals affected with SGCE-related conditions. Invitae Evidence Modeling of protein sequence and biophysical properties (such as structural, functional, and spatial information, amino acid conservation, physicochemical variation, residue mobility, and thermodynamic stability) indicates that this missense variant is not expected to disrupt SGCE protein function with a negative predictive value of 80%. In summary, the available evidence is currently insufficient to determine the role of this variant in disease. Therefore, it has been classified as a Variant of Uncertain Significance.